The following is an entry in ClinVar:

ClinVar aggregate classification (germline): Benign (0 of 4 stars; one submission).

Conditions:
CEP170B-related disorder. Also called: CEP170B-related condition.

Allele frequency attached by ClinVar (database versions not stated): 1000 Genomes Project 30x 0.45815; 1000 Genomes Project 0.48802; TOPMed 0.59957; gnomAD 0.61158; ESP Exome Variant Server 0.65388; ExAC 0.67448; gnomAD exomes 0.73951.
gnomAD v4.1: 1,108,223 of 1,525,212 alleles (73%); highest among the groups gnomAD compares: Middle Eastern, 80%; 418,573 homozygotes.

Submission:

PreventionGenetics, part of Exact Sciences
Classification: Benign for CEP170B-related condition. Last evaluated: 2019-10-17. Review status: no assertion criteria provided. Collection method: clinical testing. Allele origin: germline.
Comment: This variant is classified as benign based on ACMG/AMP sequence variant interpretation guidelines (Richards et al. 2015 PMID: 25741868, with internal and published modifications).

NM_001112726.3(CEP170B):c.1752C>T (p.Ala584=)

Gene: CEP170B (centrosomal protein 170B; plus strand). Cytogenetic location: 14q32.33.
Variant type: single nucleotide variant.
Coding change: c.1752C>T on transcript NM_001112726.3 (MANE Select); coding-DNA position 1752, C replaced by T.
Protein change: p.Ala584=; no amino-acid change (alanine 584 retained).
Molecular consequence: synonymous variant.
Genome position (GRCh38, 1-based): chr14:104,884,531, C>T. VCF-style: chr14-104884531-C-T. GRCh37 (hg19) VCF-style: chr14-105350868-C-T.
Other names: c.1542C>T, p.Ala514= (NM_015005.3).
Identifiers: ClinVar variation 3060305 (VCV003060305.2), dbSNP rs9788594, ClinGen allele CA7375658.